The following is an entry in ClinVar:

ClinVar aggregate classification (germline): Uncertain significance (1 of 4 stars; one submission).

Allele frequency attached by ClinVar (database versions not stated): ExAC 0.00002; gnomAD 0.00002 and 0.00003; gnomAD exomes 0.00003 and 0.00004; TOPMed 0.00003.

Submission:

Labcorp Genetics (formerly Invitae), Labcorp
Classification: Uncertain significance. Last evaluated: 2025-06-30. Review status: criteria provided, single submitter. Criteria: Invitae Variant Classification Sherloc (09022015). Collection method: clinical testing. Allele origin: germline.
Comment: This sequence change replaces arginine, which is basic and polar, with tryptophan, which is neutral and slightly polar, at codon 436 of the CEP250 protein (p.Arg436Trp). This variant is present in population databases (rs767447175, gnomAD 0.02%). This variant has not been reported in the literature in individuals affected with CEP250-related conditions. ClinVar contains an entry for this variant (Variation ID: 1476041). An algorithm developed to predict the effect of missense changes on protein structure and function (PolyPhen-2) suggests that this variant is likely to be disruptive. In summary, the available evidence is currently insufficient to determine the role of this variant in disease. Therefore, it has been classified as a Variant of Uncertain Significance.

NM_007186.6(CEP250):c.1306C>T (p.Arg436Trp)

Genes: CEP250 (centrosomal protein 250; plus strand), CEP250-AS1 (CEP250 antisense RNA 1; minus strand). Cytogenetic location: 20q11.22.
Variant type: single nucleotide variant.
Coding change: c.1306C>T on transcript NM_007186.6 (MANE Select); coding-DNA position 1306, C replaced by T.
Protein change: p.Arg436Trp; replaces arginine 436 with tryptophan.
Molecular consequence: missense variant. On other transcripts: 5 prime UTR variant (1).
Genome position (GRCh38, 1-based): chr20:35,473,470, C>T. VCF-style: chr20-35473470-C-T. GRCh37 (hg19) VCF-style: chr20-34061295-C-T.
Other names: c.-594C>T (NM_001318219.1); short protein forms R436W.
Identifiers: ClinVar variation 1476041 (VCV001476041.5), dbSNP rs767447175, ClinGen allele CA9832880.